The following is an entry in ClinVar:

ClinVar aggregate classification (germline): Uncertain significance (1 of 4 stars; one submission).

Conditions:
Usher syndrome type 3B. Also called: USHER SYNDROME, TYPE IIIB. Identifiers: MedGen C3281066, MONDO:0013788, OMIM 614504.

Allele frequency attached by ClinVar (database versions not stated): gnomAD exomes below 0.00001; TOPMed below 0.00001; gnomAD 0.00001.
gnomAD v4.1: 3 of 1,596,440 alleles (0.00019%); highest among the groups gnomAD compares: Admixed American, 0.0033%; no homozygotes.

Submission:

Labcorp Genetics (formerly Invitae), Labcorp
Classification: Uncertain significance for Usher syndrome type 3B. Last evaluated: 2022-08-07. Review status: criteria provided, single submitter. Criteria: Invitae Variant Classification Sherloc (09022015). Collection method: clinical testing. Allele origin: germline.
Comment: ClinVar contains an entry for this variant (Variation ID: 1680356). This variant is not present in population databases (gnomAD no frequency). This variant has not been reported in the literature in individuals affected with HARS-related conditions. Algorithms developed to predict the effect of missense changes on protein structure and function are either unavailable or do not agree on the potential impact of this missense change (SIFT: "Deleterious"; PolyPhen-2: "Benign"; Align-GVGD: "Class C0"). Algorithms developed to predict the effect of sequence changes on RNA splicing suggest that this variant may create or strengthen a splice site. This sequence change replaces lysine, which is basic and polar, with arginine, which is basic and polar, at codon 106 of the HARS protein (p.Lys106Arg). In summary, the available evidence is currently insufficient to determine the role of this variant in disease. Therefore, it has been classified as a Variant of Uncertain Significance.

NM_002109.6(HARS1):c.317A>G (p.Lys106Arg)

Gene: HARS1 (histidyl-tRNA synthetase 1; minus strand). Cytogenetic location: 5q31.3.
Variant type: single nucleotide variant.
Coding change: c.317A>G on transcript NM_002109.6 (MANE Select); coding-DNA position 317, A replaced by G.
Protein change: p.Lys106Arg; replaces lysine 106 with arginine.
Molecular consequence: missense variant. On other transcripts: intron variant (2).
Genome position (GRCh38, 1-based): chr5:140,679,867, T>C on the plus strand (A>G on the coding strand, the complement: HARS1 is on the minus strand). VCF-style: chr5-140679867-T-C. GRCh37 (hg19) VCF-style: chr5-140059452-T-C.
Other names: c.197A>G, p.Lys66Arg (NM_001258040.3, NM_001258042.3); c.317A>G, p.Lys106Arg (NM_001258041.3); c.230A>G, p.Lys77Arg (NM_001289094.2); c.181-1852A>G (NM_001289093.2); c.301-1852A>G (NM_001289092.2); short protein forms K106R, K66R, K77R.
Identifiers: ClinVar variation 1680356 (VCV001680356.6), dbSNP rs1281935760, ClinGen allele CA361257982.